The following is an entry in ClinVar:

NM_182961.4(SYNE1):c.3735C>T (p.Leu1245=)

Gene: SYNE1 (spectrin repeat containing nuclear envelope protein 1; minus strand). Cytogenetic location: 6q25.2.
Variant type: single nucleotide variant.
Coding change: c.3735C>T on transcript NM_182961.4 (MANE Select); coding-DNA position 3735, C replaced by T.
Protein change: p.Leu1245=; no amino-acid change (leucine 1245 retained).
Molecular consequence: synonymous variant.
Genome position (GRCh38, 1-based): chr6:152,444,513, G>A on the plus strand (C>T on the coding strand, the complement: SYNE1 is on the minus strand). VCF-style: chr6-152444513-G-A. GRCh37 (hg19) VCF-style: chr6-152765648-G-A.
Other names: c.3756C>T, p.Leu1252= (NM_033071.5).
Identifiers: ClinVar variation 286159 (VCV000286159.42), dbSNP rs758375991, ClinGen allele CA4058761.

ClinVar aggregate classification (germline): Conflicting classifications of pathogenicity. Review status: criteria provided, conflicting classifications (1 of 4 stars). 4 submissions from 4 submitters: Uncertain significance (2); Likely benign (2). Last evaluated 2025-10-02.

Conditions:
Emery-Dreifuss muscular dystrophy 4, autosomal dominant (EDMD4). Also called: EMERY-DREIFUSS MUSCULAR DYSTROPHY 4 WITH VARIABLE FEATURES. Identifiers: Orphanet 261, MedGen C2751807, MONDO:0013071, OMIM 612998.
Autosomal recessive ataxia, Beauce type. Also called: SYNE1 Deficiency; SYNE1-Related Autosomal Recessive Cerebellar Ataxia; ATAXIA, RECESSIVE, OF BEAUCE; Spinocerebellar ataxia, autosomal recessive 8. Identifiers: Orphanet 88644, MedGen C1853116, MONDO:0012549, OMIM 610743.

Allele frequency attached by ClinVar (database versions not stated): gnomAD 0.00001; TOPMed 0.00001.
gnomAD v4.1: 77 of 1,613,288 alleles (0.0048%); highest among the groups gnomAD compares: Middle Eastern, 0.049%; no homozygotes.

Submissions (4):

Labcorp Genetics (formerly Invitae), Labcorp
Classification: Likely benign for Emery-Dreifuss muscular dystrophy 4, autosomal dominant; Autosomal recessive ataxia, Beauce type. Last evaluated: 2025-10-02. Review status: criteria provided, single submitter. Criteria: Invitae Variant Classification Sherloc (09022015). Collection method: clinical testing. Allele origin: germline.

CeGaT Center for Human Genetics Tuebingen
Classification: Likely benign. Last evaluated: 2023-07-01. Review status: criteria provided, single submitter. Criteria: CeGaT Center For Human Genetics Tuebingen Variant Classification Criteria Version 2. Collection method: clinical testing. Allele origin: germline. Affected: yes. Observed: 1 variant allele.
Comment: SYNE1: BP4, BP7

Revvity Omics, Revvity
Classification: Uncertain significance. Last evaluated: 2022-05-19. Review status: criteria provided, single submitter. Criteria: ACMG Guidelines, 2015. Collection method: clinical testing. Allele origin: germline.

Eurofins Ntd Llc (ga)
Classification: Uncertain significance. Last evaluated: 2016-02-11. Review status: criteria provided, single submitter. Criteria: EGL Classification Definitions 2015. Collection method: clinical testing. Allele origin: germline. Observed: 1 variant allele, 1 heterozygote.